The following is an entry in ClinVar:

NM_006904.7(PRKDC):c.12119C>T (p.Pro4040Leu)

Gene: PRKDC (protein kinase, DNA-activated, catalytic subunit; minus strand). Cytogenetic location: 8q11.21.
Variant type: single nucleotide variant.
Coding change: c.12119C>T on transcript NM_006904.7 (MANE Select); coding-DNA position 12119, C replaced by T.
Protein change: p.Pro4040Leu; replaces proline 4040 with leucine.
Molecular consequence: missense variant.
Genome position (GRCh38, 1-based): chr8:47,776,907, G>A on the plus strand (C>T on the coding strand, the complement: PRKDC is on the minus strand). VCF-style: chr8-47776907-G-A. GRCh37 (hg19) VCF-style: chr8-48689468-G-A.
Other names: c.12026C>T, p.Pro4009Leu (NM_001081640.2); short protein forms P4009L, P4040L.
Identifiers: ClinVar variation 2626359 (VCV002626359.2), dbSNP rs1464162293, ClinGen allele CA371127040.

ClinVar aggregate classification (germline): Uncertain significance (1 of 4 stars; one submission).

Submission:

Ambry Genetics
Classification: Uncertain significance. Last evaluated: 2023-08-29. Review status: criteria provided, single submitter. Criteria: Ambry Variant Classification Scheme 2023. Collection method: clinical testing. Allele origin: germline.
Comment: The p.P4040L variant (also known as c.12119C>T), located in coding exon 85 of the PRKDC gene, results from a C to T substitution at nucleotide position 12119. The proline at codon 4040 is replaced by leucine, an amino acid with similar properties. This amino acid position is conserved. Since supporting evidence is limited at this time, the clinical significance of this alteration remains unclear.